The following is an entry in ClinVar:

NM_006922.4(SCN3A):c.59A>C (p.Glu20Ala)

Gene: SCN3A (sodium voltage-gated channel alpha subunit 3; minus strand). Cytogenetic location: 2q24.3.
Variant type: single nucleotide variant.
Coding change: c.59A>C on transcript NM_006922.4 (MANE Select); coding-DNA position 59, A replaced by C.
Protein change: p.Glu20Ala; replaces glutamic acid 20 with alanine.
Molecular consequence: missense variant.
Genome position (GRCh38, 1-based): chr2:165,176,336, T>G on the plus strand (A>C on the coding strand, the complement: SCN3A is on the minus strand). VCF-style: chr2-165176336-T-G. GRCh37 (hg19) VCF-style: chr2-166032846-T-G.
Other names: c.59A>C, p.Glu20Ala (NM_001081676.2, NM_001081677.2); short protein forms E20A.
Identifiers: ClinVar variation 2711136 (VCV002711136.3), dbSNP rs2468566523, ClinGen allele CA349241163.

ClinVar aggregate classification (germline): Uncertain significance (1 of 4 stars; one submission).

Submission:

Labcorp Genetics (formerly Invitae), Labcorp
Classification: Uncertain significance. Last evaluated: 2024-01-24. Review status: criteria provided, single submitter. Criteria: Invitae Variant Classification Sherloc (09022015). Collection method: clinical testing. Allele origin: germline.
Comment: This sequence change replaces glutamic acid, which is acidic and polar, with alanine, which is neutral and non-polar, at codon 20 of the SCN3A protein (p.Glu20Ala). This variant is not present in population databases (gnomAD no frequency). This variant has not been reported in the literature in individuals affected with SCN3A-related conditions. Advanced modeling of protein sequence and biophysical properties (such as structural, functional, and spatial information, amino acid conservation, physicochemical variation, residue mobility, and thermodynamic stability) has been performed at Invitae for this missense variant, however the output from this modeling did not meet the statistical confidence thresholds required to predict the impact of this variant on SCN3A protein function. In summary, the available evidence is currently insufficient to determine the role of this variant in disease. Therefore, it has been classified as a Variant of Uncertain Significance.